The following is an entry in ClinVar:

ClinVar aggregate classification (germline): Uncertain significance. Review status: criteria provided, multiple submitters, no conflicts (2 of 4 stars). 2 submissions from 2 submitters: Uncertain significance (2). Last evaluated 2025-09-25.

Conditions:
Inborn genetic diseases. Identifiers: MedGen C0950123, MeSH D030342.

Allele frequency attached by ClinVar (database versions not stated): ESP Exome Variant Server 0.00008; 1000 Genomes Project 0.00040; 1000 Genomes Project 30x 0.00062.

Submissions (2):

Labcorp Genetics (formerly Invitae), Labcorp
Classification: Uncertain significance. Last evaluated: 2025-09-25. Review status: criteria provided, single submitter. Criteria: Invitae Variant Classification Sherloc (09022015). Collection method: clinical testing. Allele origin: germline.
Comment: This sequence change replaces arginine, which is basic and polar, with glutamine, which is neutral and polar, at codon 317 of the MCM3AP protein (p.Arg317Gln). This variant is present in population databases (rs145767384, gnomAD 0.04%). This variant has not been reported in the literature in individuals affected with MCM3AP-related conditions. ClinVar contains an entry for this variant (Variation ID: 2044108). An algorithm developed to predict the effect of missense changes on protein structure and function (PolyPhen-2) suggests that this variant is likely to be disruptive. In summary, the available evidence is currently insufficient to determine the role of this variant in disease. Therefore, it has been classified as a Variant of Uncertain Significance.

Ambry Genetics
Classification: Uncertain significance for Inborn genetic diseases. Last evaluated: 2024-12-11. Review status: criteria provided, single submitter. Criteria: Ambry Variant Classification Scheme 2023. Collection method: clinical testing. Allele origin: germline.

NM_003906.5(MCM3AP):c.950G>A (p.Arg317Gln)

Gene: MCM3AP (minichromosome maintenance complex component 3 associated protein; minus strand). Cytogenetic location: 21q22.3.
Variant type: single nucleotide variant.
Coding change: c.950G>A on transcript NM_003906.5 (MANE Select); coding-DNA position 950, G replaced by A.
Protein change: p.Arg317Gln; replaces arginine 317 with glutamine.
Molecular consequence: missense variant.
Genome position (GRCh38, 1-based): chr21:46,284,337, C>T on the plus strand (G>A on the coding strand, the complement: MCM3AP is on the minus strand). VCF-style: chr21-46284337-C-T. GRCh37 (hg19) VCF-style: chr21-47704251-C-T.
Other names: c.950G>A (NM_003906.3); short protein forms R317Q.
Identifiers: ClinVar variation 2044108 (VCV002044108.3), dbSNP rs145767384, ClinGen allele CA10077226.